The following is an entry in ClinVar:

NM_004793.4(LONP1):c.2183_2184delinsCA (p.Val728Ala)

Gene: LONP1 (lon peptidase 1, mitochondrial; minus strand). Cytogenetic location: 19p13.3.
Variant type: Indel.
Coding change: c.2183_2184delinsCA on transcript NM_004793.4 (MANE Select); coding-DNA positions 2183 to 2184, TC replaced by CA.
Protein change: p.Val728Ala; replaces valine 728 with alanine.
Molecular consequence: missense variant. On other transcripts: non-coding transcript variant (1).
Genome position (GRCh38, 1-based): chr19:5,694,523-5,694,524, GA replaced by TG on the plus strand (TC replaced by CA on the coding strand, the reverse complement: LONP1 is on the minus strand). VCF-style: chr19-5694523-GA-TG. GRCh37 (hg19) VCF-style: chr19-5694534-GA-TG.
Other names: c.1991_1992delinsCA, p.Val664Ala (NM_001276479.2); c.1595_1596delinsCA, p.Val532Ala (NM_001276480.1); short protein forms V532A, V728A, V664A.
Identifiers: ClinVar variation 4769238 (VCV004769238.1).

ClinVar aggregate classification (germline): Uncertain significance (1 of 4 stars; one submission).

Submission:

Labcorp Genetics (formerly Invitae), Labcorp
Classification: Uncertain significance. Last evaluated: 2025-11-27. Review status: criteria provided, single submitter. Criteria: Invitae Variant Classification Sherloc (09022015). Collection method: clinical testing. Allele origin: germline.
Comment: This sequence change replaces valine, which is neutral and non-polar, with alanine, which is neutral and non-polar, at codon 728 of the LONP1 protein (p.Val728Ala). This variant is present in population databases (no rsID available, gnomAD 0.0004%). This variant has not been reported in the literature in individuals affected with LONP1-related conditions. An algorithm developed to predict the effect of missense changes on protein structure and function (PolyPhen-2) suggests that this variant is likely to be tolerated. In summary, the available evidence is currently insufficient to determine the role of this variant in disease. Therefore, it has been classified as a Variant of Uncertain Significance.